The following is an entry in ClinVar:

ClinVar aggregate classification (germline): Benign/Likely benign. Review status: criteria provided, multiple submitters, no conflicts (2 of 4 stars). 6 submissions from 6 submitters: Benign (2); Likely benign (2). 2 of the submissions do not count toward it. Last evaluated 2026-02-04.

Conditions:
Primary hyperoxaluria, type I (HP1). Also called: GLYCOLIC ACIDURIA; HEPATIC AGT DEFICIENCY; OXALOSIS I; Primary hyperoxaluria type 1. Identifiers: Orphanet 416, Orphanet 93598, MedGen C0268164, MONDO:0009823, OMIM 259900. Disease mechanism: loss of function.

Allele frequency attached by ClinVar (database versions not stated): gnomAD exomes 0.00377; ExAC 0.00473; gnomAD 0.01382 and 0.01476; ESP Exome Variant Server 0.01499; TOPMed 0.01590; 1000 Genomes Project 0.01957; 1000 Genomes Project 30x 0.02077.
gnomAD v4.1: 4,073 of 1,613,672 alleles (0.25%); highest among the groups gnomAD compares: African/African-American, 4.6%; 87 homozygotes.

Submissions (6):

Labcorp Genetics (formerly Invitae), Labcorp
Classification: Benign. Last evaluated: 2026-02-04. Review status: criteria provided, single submitter. Criteria: Invitae Variant Classification Sherloc (09022015). Collection method: clinical testing. Allele origin: germline.

GeneDx
Classification: Likely benign. Last evaluated: 2020-04-09. Review status: criteria provided, single submitter. Criteria: GeneDx Variant Classification Process June 2021. Collection method: clinical testing. Allele origin: germline. Affected: yes.

Illumina Laboratory Services, Illumina
Classification: Benign for Primary hyperoxaluria, type I. Last evaluated: 2018-01-13. Review status: criteria provided, single submitter. Criteria: ICSL Variant Classification Criteria 13 December 2019. Collection method: clinical testing. Allele origin: germline.
Comment: This variant was observed in the ICSL laboratory as part of a predisposition screen in an ostensibly healthy population. It had not been previously curated by ICSL or reported in the Human Gene Mutation Database (HGMD: prior to June 1st, 2018), and was therefore a candidate for classification through an automated scoring system. Utilizing variant allele frequency, disease prevalence and penetrance estimates, and inheritance mode, an automated score was calculated to assess if this variant is too frequent to cause the disease. Based on the score and internal cut-off values, a variant classified as benign is not then subjected to further curation. The score for this variant resulted in a classification of benign for this disease.

Breakthrough Genomics
Classification: Likely benign. Review status: criteria provided, single submitter. Criteria: ACMG Guidelines, 2015. Collection method: not provided. Allele origin: germline. Inheritance: Autosomal recessive inheritance. Affected: yes.

Natera, Inc.
Classification: Benign for Primary hyperoxaluria type I. Last evaluated: 2020-09-16. Review status: no assertion criteria provided. Collection method: clinical testing. Allele origin: germline. Not counted in ClinVar's aggregate classification.

Clinical Biochemistry Laboratory, Health Services Laboratory
Classification: Uncertain significance for Primary hyperoxaluria, type I. Last evaluated: 2014-11-27. Review status: no assertion criteria provided. Collection method: research. Allele origin: germline. Affected: yes. Not counted in ClinVar's aggregate classification.

Literature cited by the submitters: PubMed 15963748 (cited by Clinical Biochemistry Laboratory, Health Services Laboratory).

NM_000030.3(AGXT):c.705G>A (p.Thr235=)

Gene: AGXT (alanine--glyoxylate aminotransferase; plus strand). Cytogenetic location: 2q37.3.
Variant type: single nucleotide variant.
Coding change: c.705G>A on transcript NM_000030.3 (MANE Select); coding-DNA position 705, G replaced by A.
Protein change: p.Thr235=; no amino-acid change (threonine 235 retained).
Molecular consequence: synonymous variant.
Genome position (GRCh38, 1-based): chr2:240,875,133, G>A. VCF-style: chr2-240875133-G-A. GRCh37 (hg19) VCF-style: chr2-241814550-G-A.
Identifiers: ClinVar variation 204047 (VCV000204047.21), dbSNP rs35977912, ClinGen allele CA275585.